The following is an entry in ClinVar:

ClinVar aggregate classification (germline): Uncertain significance. Review status: criteria provided, multiple submitters, no conflicts (2 of 4 stars). 2 submissions from 2 submitters: Uncertain significance (2). Last evaluated 2026-08-23.

Conditions:
Inborn genetic diseases. Identifiers: MedGen C0950123, MeSH D030342.

gnomAD v4.1: 1 of 1,613,798 alleles (0.000062%); highest among the groups gnomAD compares: Admixed American, 0.0017%; no homozygotes.

Submissions (2):

Ambry Genetics
Classification: Uncertain significance for Inborn genetic diseases. Last evaluated: 2026-08-23. Review status: criteria provided, single submitter. Criteria: Ambry Variant Classification Scheme 2023. Collection method: clinical testing. Allele origin: germline.
Comment: The p.G1486A variant (also known as c.4457G>C), located in coding exon 1 of the SAMD9 gene, results from a G to C substitution at nucleotide position 4457. The glycine at codon 1486 is replaced by alanine, an amino acid with similar properties. This amino acid position is conserved. In addition, this alteration is predicted to be tolerated by in silico analysis. Based on the available evidence, the clinical significance of this variant remains unclear.

Labcorp Genetics (formerly Invitae), Labcorp
Classification: Uncertain significance. Last evaluated: 2021-08-20. Review status: criteria provided, single submitter. Criteria: Invitae Variant Classification Sherloc (09022015). Collection method: clinical testing. Allele origin: germline.
Comment: This sequence change replaces glycine with alanine at codon 1486 of the SAMD9 protein (p.Gly1486Ala). The glycine residue is moderately conserved and there is a small physicochemical difference between glycine and alanine. This variant is not present in population databases (ExAC no frequency). This variant has not been reported in the literature in individuals affected with SAMD9-related conditions. Algorithms developed to predict the effect of missense changes on protein structure and function (SIFT, PolyPhen-2, Align-GVGD) all suggest that this variant is likely to be tolerated. In summary, the available evidence is currently insufficient to determine the role of this variant in disease. Therefore, it has been classified as a Variant of Uncertain Significance.

NM_017654.4(SAMD9):c.4457G>C (p.Gly1486Ala)

Gene: SAMD9 (sterile alpha motif domain containing 9; minus strand). Cytogenetic location: 7q21.2.
Variant type: single nucleotide variant.
Coding change: c.4457G>C on transcript NM_017654.4 (MANE Select); coding-DNA position 4457, G replaced by C.
Protein change: p.Gly1486Ala; replaces glycine 1486 with alanine.
Molecular consequence: missense variant.
Genome position (GRCh38, 1-based): chr7:93,101,641, C>G on the plus strand (G>C on the coding strand, the complement: SAMD9 is on the minus strand). VCF-style: chr7-93101641-C-G. GRCh37 (hg19) VCF-style: chr7-92730954-C-G.
Other names: c.4457G>C, p.Gly1486Ala (NM_001193307.2); c.4457G>C (NM_017654.3); short protein forms G1486A.
Identifiers: ClinVar variation 1432990 (VCV001432990.6), dbSNP rs2116412255, ClinGen allele CA368178712.